The following is an entry in ClinVar:

NM_001243177.4(ALDOA):c.961+11C>T

Genes: ALDOA (aldolase, fructose-bisphosphate A; plus strand), LOC112694756 (uncharaterized LOC112694756; plus strand). Cytogenetic location: 16p11.2.
Variant type: single nucleotide variant.
Coding change: c.961+11C>T on transcript NM_001243177.4 (MANE Select); 11 bases into the intron after coding-DNA position 961, C replaced by T.
Molecular consequence: intron variant.
Genome position (GRCh38, 1-based): chr16:30,069,684, C>T. VCF-style: chr16-30069684-C-T. GRCh37 (hg19) VCF-style: chr16-30081005-C-T.
Other names: c.*1308+11C>T (NM_001365307.2, NM_001365305.2, NM_001365304.2); c.799+11C>T (NM_184043.2, NM_001127617.2, NM_184041.5).
Identifiers: ClinVar variation 390900 (VCV000390900.2), dbSNP rs1057523917, ClinGen allele CA16607018.

ClinVar aggregate classification (germline): Likely benign (1 of 4 stars; one submission).

Allele frequency attached by ClinVar (database versions not stated): TOPMed below 0.00001.
gnomAD v4.1: 2 of 1,613,282 alleles (0.00012%); no homozygotes.

Submission:

GeneDx
Classification: Likely benign. Last evaluated: 2016-11-15. Review status: criteria provided, single submitter. Criteria: GeneDx Variant Classification (06012015). Collection method: clinical testing. Allele origin: germline. Affected: yes.
Comment: This variant is considered likely benign or benign based on one or more of the following criteria: it is a conservative change, it occurs at a poorly conserved position in the protein, it is predicted to be benign by multiple in silico algorithms, and/or has population frequency not consistent with disease.